The following is an entry in ClinVar:

ClinVar aggregate classification (germline): Pathogenic (1 of 4 stars; one submission).

Conditions:
Muscular dystrophy-dystroglycanopathy (congenital with brain and eye anomalies), type a, 11 (MDDGA11). Also called: WALKER-WARBURG SYNDROME OR MUSCLE-EYE-BRAIN DISEASE, B3GALNT2-RELATED; Congenital muscular dystrophy-dystroglycanopathy with brain and eye anomalies, type A11; Muscular dystrophy-dystroglycanopathy (congenital with brain and eye anomalies, type A, 11. Identifiers: Orphanet 588, Orphanet 899, MedGen C3554638, MONDO:0014071, OMIM 615181.

gnomAD v4.1: 1 of 1,478,038 alleles (0.000068%); highest among the groups gnomAD compares: Non-Finnish European, 0.000089%; no homozygotes.

Submission:

Labcorp Genetics (formerly Invitae), Labcorp
Classification: Pathogenic for Muscular dystrophy-dystroglycanopathy (congenital with brain and eye anomalies), type a, 11. Last evaluated: 2022-11-28. Review status: criteria provided, single submitter. Criteria: Invitae Variant Classification Sherloc (09022015). Collection method: clinical testing. Allele origin: germline.
Comment: For these reasons, this variant has been classified as Pathogenic. ClinVar contains an entry for this variant (Variation ID: 1423697). This variant has not been reported in the literature in individuals affected with B3GALNT2-related conditions. This variant is not present in population databases (gnomAD no frequency). This sequence change creates a premature translational stop signal (p.Cys9*) in the B3GALNT2 gene. It is expected to result in an absent or disrupted protein product. Loss-of-function variants in B3GALNT2 are known to be pathogenic (PMID: 23453667).

Literature cited by the submitters: PubMed 23453667.

NM_152490.5(B3GALNT2):c.27C>A (p.Cys9Ter)

Gene: B3GALNT2 (beta-1,3-N-acetylgalactosaminyltransferase 2; minus strand). Cytogenetic location: 1q42.3.
Variant type: single nucleotide variant.
Coding change: c.27C>A on transcript NM_152490.5 (MANE Select); coding-DNA position 27, C replaced by A.
Protein change: p.Cys9Ter; replaces cysteine 9 with a stop codon.
Molecular consequence: nonsense.
Genome position (GRCh38, 1-based): chr1:235,504,226, G>T on the plus strand (C>A on the coding strand, the complement: B3GALNT2 is on the minus strand). VCF-style: chr1-235504226-G-T. GRCh37 (hg19) VCF-style: chr1-235667526-G-T.
Other names: c.27C>A, p.Cys9Ter (NM_001277155.3); short protein forms C9*.
Identifiers: ClinVar variation 1423697 (VCV001423697.6), dbSNP rs1685730083, ClinGen allele CA344937546.